The following is an entry in ClinVar:

ClinVar aggregate classification (germline): Likely benign. Review status: criteria provided, single submitter (1 of 4 stars). 2 submissions from 2 submitters: Likely benign (1). 1 of the submissions does not count toward it. Last evaluated 2024-06-06.

Conditions:
COMP-related disorder. Also called: COMP-related condition; COMP-related disorders.

Allele frequency attached by ClinVar (database versions not stated): 1000 Genomes Project 30x 0.00031.
gnomAD v4.1: 41 of 1,523,424 alleles (0.0027%); highest among the groups gnomAD compares: African/African-American, 0.011%; no homozygotes.

Submissions (2):

Labcorp Genetics (formerly Invitae), Labcorp
Classification: Likely benign. Last evaluated: 2024-06-06. Review status: criteria provided, single submitter. Criteria: Invitae Variant Classification Sherloc (09022015). Collection method: clinical testing. Allele origin: germline.

PreventionGenetics, part of Exact Sciences
Classification: Likely benign for COMP-related condition. Last evaluated: 2019-04-16. Review status: no assertion criteria provided. Collection method: clinical testing. Allele origin: germline. Not counted in ClinVar's aggregate classification.
Comment: This variant is classified as likely benign based on ACMG/AMP sequence variant interpretation guidelines (Richards et al. 2015 PMID: 25741868, with internal and published modifications).

NM_000095.3(COMP):c.218-6C>A

Gene: COMP (cartilage oligomeric matrix protein; minus strand). Cytogenetic location: 19p13.11.
Variant type: single nucleotide variant.
Coding change: c.218-6C>A on transcript NM_000095.3 (MANE Select); 6 bases into the intron before coding-DNA position 218, C replaced by A.
Molecular consequence: intron variant.
Genome position (GRCh38, 1-based): chr19:18,790,120, G>T on the plus strand (C>A on the coding strand, the complement: COMP is on the minus strand). VCF-style: chr19-18790120-G-T. GRCh37 (hg19) VCF-style: chr19-18900929-G-T.
Other names: c.218-6C>A (NM_000095.2).
Identifiers: ClinVar variation 1369296 (VCV001369296.10), dbSNP rs534407430, ClinGen allele CA306260582.
Genomic context (GRCh38, chr19:18,790,120, plus strand): 5'-CAGTGGAGCAGGGGCCGCACGCTGGGTAGGCCGGTGCGTACTGACTGCTGCATCCCTGCG[G>T]GGGGGAGGGGGGAGAAGCGGCGGGGCTGATCGGTGGCTCGCCCGGGGGCAGAGCCTATCA-3'